The following is an entry in ClinVar:

NM_000059.4(BRCA2):c.394T>G (p.Cys132Gly)

Gene: BRCA2 (BRCA2 DNA repair associated; plus strand). Cytogenetic location: 13q13.1.
Variant type: single nucleotide variant.
Coding change: c.394T>G on transcript NM_000059.4 (MANE Select); coding-DNA position 394, T replaced by G.
Protein change: p.Cys132Gly; replaces cysteine 132 with glycine.
Molecular consequence: missense variant.
Genome position (GRCh38, 1-based): chr13:32,325,153, T>G. VCF-style: chr13-32325153-T-G. GRCh37 (hg19) VCF-style: chr13-32899290-T-G.
Other names: c.394T>G (NM_000059.3); short protein forms C132G.
Identifiers: ClinVar variation 1414362 (VCV001414362.9), dbSNP rs752207703, ClinGen allele CA387756690.

ClinVar aggregate classification (germline): Uncertain significance. Review status: criteria provided, multiple submitters, no conflicts (2 of 4 stars). 2 submissions from 2 submitters: Uncertain significance (2). Last evaluated 2025-10-27.

Conditions:
Hereditary breast ovarian cancer syndrome. Also called: Hereditary breast and ovarian cancer syndrome (HBOC); Breast and ovarian cancer; Hereditary breast and ovarian cancer syndrome; Hereditary breast and/or ovarian cancer syndrome; BRCA1- and BRCA2-Associated Hereditary Breast and Ovarian Cancer; Hereditary breast and ovarian cancer. Identifiers: Orphanet 145, MedGen C0677776, MeSH D061325, MONDO:0003582. Disease mechanism: loss of function.
Hereditary cancer-predisposing syndrome. Also called: Hereditary Cancer Syndrome; Tumor predisposition; Hereditary neoplastic syndrome; Neoplastic Syndromes, Hereditary. Identifiers: Orphanet 140162, MedGen C0027672, MeSH D009386, MONDO:0015356.

gnomAD v4.1: 1 of 1,603,004 alleles (0.000062%); highest among the groups gnomAD compares: South Asian, 0.0011%; no homozygotes.

Submissions (2):

Ambry Genetics
Classification: Uncertain significance for Hereditary cancer-predisposing syndrome. Last evaluated: 2025-10-27. Review status: criteria provided, single submitter. Criteria: Ambry Variant Classification Scheme 2023. Collection method: clinical testing. Allele origin: germline.
Comment: The p.C132G variant (also known as c.394T>G), located in coding exon 3 of the BRCA2 gene, results from a T to G substitution at nucleotide position 394. The cysteine at codon 132 is replaced by glycine, an amino acid with highly dissimilar properties. This amino acid position is poorly conserved in available vertebrate species. In addition, this alteration is predicted to be tolerated by in silico analysis. Based on the available evidence, the clinical significance of this variant remains unclear.

Labcorp Genetics (formerly Invitae), Labcorp
Classification: Uncertain significance for Hereditary breast ovarian cancer syndrome. Last evaluated: 2022-02-03. Review status: criteria provided, single submitter. Criteria: Invitae Variant Classification Sherloc (09022015). Collection method: clinical testing. Allele origin: germline.
Comment: This sequence change replaces cysteine, which is neutral and slightly polar, with glycine, which is neutral and non-polar, at codon 132 of the BRCA2 protein (p.Cys132Gly). In summary, the available evidence is currently insufficient to determine the role of this variant in disease. Therefore, it has been classified as a Variant of Uncertain Significance. Advanced modeling of protein sequence and biophysical properties (such as structural, functional, and spatial information, amino acid conservation, physicochemical variation, residue mobility, and thermodynamic stability) performed at Invitae indicates that this missense variant is not expected to disrupt BRCA2 protein function. This variant has not been reported in the literature in individuals affected with BRCA2-related conditions. This variant is not present in population databases (gnomAD no frequency).